The following is an entry in ClinVar:

NM_000548.5(TSC2):c.743A>G (p.Asn248Ser)

Gene: TSC2 (TSC complex subunit 2; plus strand). Cytogenetic location: 16p13.3.
Variant type: single nucleotide variant.
Coding change: c.743A>G on transcript NM_000548.5 (MANE Select); coding-DNA position 743, A replaced by G.
Protein change: p.Asn248Ser; replaces asparagine 248 with serine.
Molecular consequence: missense variant.
Genome position (GRCh38, 1-based): chr16:2,056,738, A>G. VCF-style: chr16-2056738-A-G. GRCh37 (hg19) VCF-style: chr16-2106739-A-G.
Other names: c.743A>G, p.Asn248Ser (NM_001077183.3, NM_001114382.3, NM_001363528.2 and 3 more transcripts); c.632A>G, p.Asn211Ser (NM_001318827.2); c.596A>G, p.Asn199Ser (NM_001318829.2); c.143A>G, p.Asn48Ser (NM_001318831.2); c.776A>G, p.Asn259Ser (NM_001318832.2); short protein forms N248S, N211S, N259S, N48S, N199S.
Identifiers: ClinVar variation 536104 (VCV000536104.23), dbSNP rs762104739, ClinGen allele CA056283.

ClinVar aggregate classification (germline): Conflicting classifications of pathogenicity. Review status: criteria provided, conflicting classifications (1 of 4 stars). 7 submissions from 7 submitters: Uncertain significance (5); Likely benign (2). Last evaluated 2026-07-01.

Conditions:
Hereditary cancer-predisposing syndrome. Also called: Hereditary Cancer Syndrome; Neoplastic Syndromes, Hereditary; Hereditary neoplastic syndrome; Tumor predisposition. Identifiers: Orphanet 140162, MedGen C0027672, MeSH D009386, MONDO:0015356.
Tuberous sclerosis 2 (TSC2). Identifiers: Orphanet 805, MedGen C1860707, MONDO:0013199, OMIM 613254.

Allele frequency attached by ClinVar (database versions not stated): gnomAD 0.00001; ExAC 0.00002; TOPMed 0.00002.

Submissions (7):

CeGaT Center for Human Genetics Tuebingen
Classification: Likely benign. Last evaluated: 2026-07-01. Review status: criteria provided, single submitter. Criteria: CeGaT Center For Human Genetics Tuebingen Variant Classification Criteria Version 2. Collection method: clinical testing. Allele origin: germline. Affected: yes. Observed: 1 variant allele.
Comment: TSC2: BS2

Labcorp Genetics (formerly Invitae), Labcorp
Classification: Likely benign for Tuberous sclerosis 2. Last evaluated: 2025-12-08. Review status: criteria provided, single submitter. Criteria: Invitae Variant Classification Sherloc (09022015). Collection method: clinical testing. Allele origin: germline.

Ambry Genetics
Classification: Uncertain significance for Hereditary cancer-predisposing syndrome. Last evaluated: 2024-05-31. Review status: criteria provided, single submitter. Criteria: Ambry Variant Classification Scheme 2023. Collection method: clinical testing. Allele origin: germline.
Comment: The p.N248S variant (also known as c.743A>G), located in coding exon 7 of the TSC2 gene, results from an A to G substitution at nucleotide position 743. The asparagine at codon 248 is replaced by serine, an amino acid with highly similar properties. This amino acid position is highly conserved in available vertebrate species. In addition, the in silico prediction for this alteration is inconclusive. Based on the available evidence, the clinical significance of this variant remains unclear.

Quest Diagnostics Nichols Institute San Juan Capistrano
Classification: Uncertain significance. Last evaluated: 2024-02-22. Review status: criteria provided, single submitter. Criteria: Quest Diagnostics criteria. Collection method: clinical testing. Allele origin: unknown.

GeneDx
Classification: Uncertain significance. Last evaluated: 2023-09-13. Review status: criteria provided, single submitter. Criteria: GeneDx Variant Classification Process June 2021. Collection method: clinical testing. Allele origin: germline. Affected: yes.
Comment: In silico analysis supports that this missense variant has a deleterious effect on protein structure/function; Has not been previously published as pathogenic or benign to our knowledge

Genome-Nilou Lab
Classification: Uncertain significance for Tuberous sclerosis 2. Last evaluated: 2021-11-07. Review status: criteria provided, single submitter. Criteria: ACMG Guidelines, 2015. Collection method: clinical testing. Allele origin: germline. Affected: no.

Baylor Genetics
Classification: Uncertain significance for Tuberous sclerosis 2. Last evaluated: 2019-05-08. Review status: criteria provided, single submitter. Criteria: ACMG Guidelines, 2015. Collection method: clinical testing. Allele origin: maternal. Affected: yes. Study: CSER-TexasKidsCanSeq.
Comment: This variant was determined to be of uncertain significance according to ACMG Guidelines, 2015 [PMID:25741868].